The following is an entry in ClinVar:

NM_023110.3(FGFR1):c.448+1G>C

Gene: FGFR1 (fibroblast growth factor receptor 1; minus strand). Cytogenetic location: 8p11.23.
Variant type: single nucleotide variant.
Coding change: c.448+1G>C on transcript NM_023110.3 (MANE Select); the canonical splice donor site of the intron after coding-DNA position 448, G replaced by C.
Molecular consequence: splice donor variant. On other transcripts: intron variant (9).
Genome position (GRCh38, 1-based): chr8:38,428,345, C>G on the plus strand (G>C on the coding strand, the complement: FGFR1 is on the minus strand). VCF-style: chr8-38428345-C-G. GRCh37 (hg19) VCF-style: chr8-38285863-C-G.
Other names: c.175+7G>C (NM_001354368.2, NM_001354370.2, NM_023106.3); c.181+1G>C (NM_023105.3, NM_001174066.2); c.442+7G>C (NM_001354367.2, NM_015850.4, NM_001354369.2 and 2 more transcripts); c.448+1G>C (NM_001174063.2); c.424+1G>C (NM_001174064.2); c.541+7G>C (NM_001174067.2).
Identifiers: ClinVar variation 1197448 (VCV001197448.37), dbSNP rs376416531, ClinGen allele CA4718744.

ClinVar aggregate classification (germline): Conflicting classifications of pathogenicity. Review status: criteria provided, conflicting classifications (1 of 4 stars). 4 submissions from 4 submitters: Likely pathogenic (2); Uncertain significance (2). Last evaluated 2025-02-03.

Conditions:
Hypogonadotropic hypogonadism 2 with or without anosmia (HH2). Also called: FGFR1-Related GnRH Deficiency (Kallmann Syndrome 2); HYPOGONADOTROPIC HYPOGONADISM 2 WITHOUT ANOSMIA; HYPOGONADOTROPIC HYPOGONADISM 2 WITH OR WITHOUT ANOSMIA, SUSCEPTIBILITY TO; HYPOGONADOTROPIC HYPOGONADISM 2 WITHOUT ANOSMIA, SUSCEPTIBILITY TO. Identifiers: Orphanet 478, MedGen C1563720, MONDO:0007844, OMIM 147950. Disease mechanism: loss of function.
Pfeiffer syndrome (ACS5). Also called: ACS V. Identifiers: Orphanet 710, MedGen C0220658, MONDO:0007043, OMIM 101600.
Hartsfield-Bixler-Demyer syndrome (HRTFDS). Also called: Hartsfield syndrome; FGFR1-Related Hartsfield Syndrome; Holoprosencephaly, ectrodactyly, and bilateral cleft lip/palate. Identifiers: Orphanet 2117, MedGen C1845146, MONDO:0014196, OMIM 615465. Disease mechanism: loss of function.
Jackson-Weiss syndrome (JWS). Also called: CRANIOSYNOSTOSIS, MIDFACIAL HYPOPLASIA, AND FOOT ABNORMALITIES. Identifiers: Orphanet 1540, MedGen C0795998, MONDO:0007400, OMIM 123150. Disease mechanism: loss of function.
Osteoglophonic dysplasia (OGD). Also called: Osteoglophonic dwarfism. Identifiers: Orphanet 2645, MedGen C0432283, MONDO:0008150, OMIM 166250.
Trigonocephaly 1 (TRIGNO1). Identifiers: Orphanet 3366, MedGen C0432122, MONDO:0008603, OMIM 190440.
Encephalocraniocutaneous lipomatosis (ECCL). Identifiers: Orphanet 2396, MedGen C0406612, MONDO:0013074, OMIM 613001.

Allele frequency attached by ClinVar (database versions not stated): ESP Exome Variant Server 0.00008.
gnomAD v4.1: 38 of 1,613,468 alleles (0.0024%); highest among the groups gnomAD compares: Non-Finnish European, 0.0031%; no homozygotes.

Submissions (4):

GeneDx
Classification: Uncertain significance. Last evaluated: 2025-02-03. Review status: criteria provided, single submitter. Criteria: GeneDx Variant Classification Process June 2021. Collection method: clinical testing. Allele origin: germline. Affected: yes.
Comment: Canonical splice site variant predicted to result in an in-frame loss of the adjacent exon in a gene for which loss of function is a known mechanism of disease; Has not been previously published as pathogenic or benign to our knowledge

Fulgent Genetics
Classification: Likely pathogenic for Pfeiffer syndrome; Jackson-Weiss syndrome; Hypogonadotropic hypogonadism 2 with or without anosmia; Osteoglophonic dysplasia; Trigonocephaly 1; Encephalocraniocutaneous lipomatosis; Hartsfield-Bixler-Demyer syndrome. Last evaluated: 2024-05-16. Review status: criteria provided, single submitter. Criteria: ACMG Guidelines, 2015. Collection method: clinical testing. Allele origin: germline.

Labcorp Genetics (formerly Invitae), Labcorp
Classification: Likely pathogenic for Pfeiffer syndrome; Hypogonadotropic hypogonadism 2 with or without anosmia. Last evaluated: 2024-04-25. Review status: criteria provided, single submitter. Criteria: Invitae Variant Classification Sherloc (09022015). Collection method: clinical testing. Allele origin: germline.
Comment: This sequence change affects a donor splice site in intron 4 of the FGFR1 gene. It is expected to disrupt RNA splicing. Variants that disrupt the donor or acceptor splice site typically lead to a loss of protein function (PMID: 16199547), and loss-of-function variants in FGFR1 are known to be pathogenic (PMID: 12627230). This variant is present in population databases (rs376416531, gnomAD 0.0009%). This variant has not been reported in the literature in individuals affected with FGFR1-related conditions. ClinVar contains an entry for this variant (Variation ID: 1197448). Algorithms developed to predict the effect of sequence changes on RNA splicing suggest that this variant may disrupt the consensus splice site. In summary, the currently available evidence indicates that the variant is pathogenic, but additional data are needed to prove that conclusively. Therefore, this variant has been classified as Likely Pathogenic.

CeGaT Center for Human Genetics Tuebingen
Classification: Uncertain significance. Last evaluated: 2023-09-01. Review status: criteria provided, single submitter. Criteria: CeGaT Center For Human Genetics Tuebingen Variant Classification Criteria Version 2. Collection method: clinical testing. Allele origin: germline. Affected: yes. Observed: 1 variant allele.
Comment: FGFR1: PM2, PVS1:Supporting

Literature cited by the submitters: PubMed 16199547 (cited by Labcorp Genetics (formerly Invitae), Labcorp); PubMed 12627230 (cited by Labcorp Genetics (formerly Invitae), Labcorp).